The following is an entry in ClinVar:

ClinVar aggregate classification (germline): Uncertain significance (1 of 4 stars; one submission).

Conditions:
Spinocerebellar ataxia 47 (NEDMSF). Also called: PADDAS SYNDROME; neurodevelopmental disorder with motor abnormalities, seizures, and facial dysmorphism. Identifiers: Orphanet 642747, MedGen C4693672, MONDO:0033482, OMIM 620719.

Submission:

Dasa
Classification: Uncertain significance for neurodevelopmental disorder with motor abnormalities, seizures, and facial dysmorphism. Last evaluated: 2026-03-29. Review status: criteria provided, single submitter. Criteria: DASA Assertion Criteria. Collection method: clinical testing. Allele origin: germline.
Comment: NM_001020658.2(PUM1):c.326G>C (p.Arg109Pro) is a missense variant that results in the substitution of arginine with proline. This variant is rare in population databases. The currently available literature and clinical evidence are not sufficient to establish a definitive association between this variant and the reported condition. Therefore, this variant is classified as a variant of uncertain significance.

NM_001020658.2(PUM1):c.326G>C (p.Arg109Pro)

Gene: PUM1 (pumilio RNA binding family member 1; minus strand). Cytogenetic location: 1p35.2.
Variant type: single nucleotide variant.
Coding change: c.326G>C on transcript NM_001020658.2 (MANE Select); coding-DNA position 326, G replaced by C.
Protein change: p.Arg109Pro; replaces arginine 109 with proline.
Molecular consequence: missense variant.
Genome position (GRCh38, 1-based): chr1:31,059,241, C>G on the plus strand (G>C on the coding strand, the complement: PUM1 is on the minus strand). VCF-style: chr1-31059241-C-G. GRCh37 (hg19) VCF-style: chr1-31532088-C-G.
Other names: c.326G>C, p.Arg109Pro (NM_014676.3); short protein forms R109P.
Identifiers: ClinVar variation 4881647 (VCV004881647.2).